The following is an entry in ClinVar:

NM_002476.2(MYL4):c.304A>G (p.Lys102Glu)

Gene: MYL4 (myosin light chain 4; plus strand). Cytogenetic location: 17q21.32.
Variant type: single nucleotide variant.
Coding change: c.304A>G on transcript NM_002476.2 (MANE Select); coding-DNA position 304, A replaced by G.
Protein change: p.Lys102Glu; replaces lysine 102 with glutamic acid.
Molecular consequence: missense variant.
Genome position (GRCh38, 1-based): chr17:47,220,044, A>G. VCF-style: chr17-47220044-A-G. GRCh37 (hg19) VCF-style: chr17-45297410-A-G.
Other names: c.304A>G, p.Lys102Glu (NM_001002841.2); short protein forms K102E.
Identifiers: ClinVar variation 1045962 (VCV001045962.8), dbSNP rs2064844186, ClinGen allele CA400021383.

ClinVar aggregate classification (germline): Uncertain significance (1 of 4 stars; one submission).

Conditions:
Atrial fibrillation, familial, 18 (ATFB18). Identifiers: MedGen C4310636, MONDO:0015001, OMIM 617280.

Allele frequency attached by ClinVar (database versions not stated): gnomAD exomes 0.00001.
gnomAD v4.1: 7 of 1,613,166 alleles (0.00043%); highest among the groups gnomAD compares: Non-Finnish European, 0.00051%; no homozygotes.

Submission:

Labcorp Genetics (formerly Invitae), Labcorp
Classification: Uncertain significance for Atrial fibrillation, familial, 18. Last evaluated: 2020-05-05. Review status: criteria provided, single submitter. Criteria: Invitae Variant Classification Sherloc (09022015). Collection method: clinical testing. Allele origin: germline.
Comment: This variant is not present in population databases (ExAC no frequency). This sequence change replaces lysine with glutamic acid at codon 102 of the MYL4 protein (p.Lys102Glu). The lysine residue is moderately conserved and there is a small physicochemical difference between lysine and glutamic acid. This variant has not been reported in the literature in individuals with MYL4-related conditions. In summary, the available evidence is currently insufficient to determine the role of this variant in disease. Therefore, it has been classified as a Variant of Uncertain Significance. Algorithms developed to predict the effect of missense changes on protein structure and function (SIFT, PolyPhen-2, Align-GVGD) all suggest that this variant is likely to be tolerated, but these predictions have not been confirmed by published functional studies and their clinical significance is uncertain.